The following is an entry in ClinVar:

NM_005585.5(SMAD6):c.598_612del (p.Gly200_Gly204del)

Gene: SMAD6 (SMAD family member 6; plus strand). Cytogenetic location: 15q22.31.
Variant type: Deletion.
Coding change: c.598_612del on transcript NM_005585.5 (MANE Select); coding-DNA positions 598 to 612, 15 bases deleted (GGCGTGCCGGGCGGC).
Protein change: p.Gly200_Gly204del.
Molecular consequence: inframe deletion. On other transcripts: non-coding transcript variant (1).
Genome position (GRCh38, 1-based): chr15:66,703,856-66,703,870, GGCGTGCCGGGCGGC deleted; deleting any 15 consecutive bases within chr15:66,703,851-66,703,870 gives the same sequence; the c. name uses the placement nearest the transcript's 3' end. VCF-style (leftmost placement, unchanged base first): chr15-66703850-CGCGGCGGCGTGCCGG-C. GRCh37 (hg19) VCF-style: chr15-66996188-CGCGGCGGCGTGCCGG-C.
Identifiers: ClinVar variation 2736227 (VCV002736227.3), dbSNP rs1893041483, ClinGen allele CA2184198668.

ClinVar aggregate classification (germline): Uncertain significance (1 of 4 stars; one submission).

Conditions:
Aortic valve disease 2 (AOVD2). Identifiers: MedGen C3542024, MONDO:0013902, OMIM 614823.

Submission:

Labcorp Genetics (formerly Invitae), Labcorp
Classification: Uncertain significance for Aortic valve disease 2. Last evaluated: 2023-10-24. Review status: criteria provided, single submitter. Criteria: Invitae Variant Classification Sherloc (09022015). Collection method: clinical testing. Allele origin: germline.
Comment: This variant, c.598_612del, results in the deletion of 5 amino acid(s) of the SMAD6 protein (p.Gly200_Gly204del), but otherwise preserves the integrity of the reading frame. This variant is not present in population databases (gnomAD no frequency). This variant has not been reported in the literature in individuals affected with SMAD6-related conditions. Experimental studies and prediction algorithms are not available or were not evaluated, and the functional significance of this variant is currently unknown. In summary, the available evidence is currently insufficient to determine the role of this variant in disease. Therefore, it has been classified as a Variant of Uncertain Significance.